The following is an entry in ClinVar:

NM_001101.5(ACTB):c.951C>T (p.Ile317=)

Gene: ACTB (actin beta; minus strand). Cytogenetic location: 7p22.1.
Variant type: single nucleotide variant.
Coding change: c.951C>T on transcript NM_001101.5 (MANE Select); coding-DNA position 951, C replaced by T.
Protein change: p.Ile317=; no amino-acid change (isoleucine 317 retained).
Molecular consequence: synonymous variant.
Genome position (GRCh38, 1-based): chr7:5,528,037, G>A on the plus strand (C>T on the coding strand, the complement: ACTB is on the minus strand). VCF-style: chr7-5528037-G-A. GRCh37 (hg19) VCF-style: chr7-5567668-G-A.
Other names: p.Ile317=; c.951C>T (LRG_132t1).
Identifiers: ClinVar variation 516229 (VCV000516229.17), dbSNP rs13447408, ClinGen allele CA4146891.
Genomic context (GRCh38, chr7:5,528,037, plus strand): 5'-GTCAGCTCAGGCAGGAAAGACACCCACCTTGATCTTCATTGTGCTGGGTGCCAGGGCAGT[G>A]ATCTCCTTCTGCATCCTGTCGGCAATGCCAGGGTACATGGTGGTGCCGCCAGACAGCACT-3'
Protein context (NP_001092.1, residues 307-327): PGIADRMQKE[Ile317=]TALAPSTMKI

ClinVar aggregate classification (germline): Benign/Likely benign. Review status: criteria provided, multiple submitters, no conflicts (2 of 4 stars). 7 submissions from 6 submitters: Benign (5); Likely benign (1). 1 of the submissions does not count toward it. Last evaluated 2026-01-26.

Conditions:
ACTB-related disorder. Also called: ACTB-related condition; ACTB-related disorders.
Developmental malformations-deafness-dystonia syndrome (DDS1). Identifiers: Orphanet 79107, MedGen C5848323, MONDO:0011823, OMIM 607371.
Baraitser-Winter syndrome 1 (BRWS1). Also called: PACHYGYRIA, MENTAL RETARDATION, EPILEPSY, AND CHARACTERISTIC FACIES; MENTAL RETARDATION WITH EPILEPSY AND CHARACTERISTIC FACIES; Cerebrofrontofacial syndrome; BARAITSER-WINTER SYNDROME 1, ATYPICAL. Identifiers: Orphanet 2649, Orphanet 2995, MedGen C1855722, MONDO:0009470, OMIM 243310.

Allele frequency attached by ClinVar (database versions not stated): gnomAD exomes 0.00026 and 0.00070; ExAC 0.00088; 1000 Genomes Project 0.00200; 1000 Genomes Project 30x 0.00219; gnomAD 0.00297 and 0.00323; TOPMed 0.00360; ESP Exome Variant Server 0.00392.
gnomAD v4.1: 844 of 1,614,232 alleles (0.052%); highest among the groups gnomAD compares: African/African-American, 1%; 2 homozygotes.

Submissions (7):

Labcorp Genetics (formerly Invitae), Labcorp
Classification: Benign for Baraitser-Winter syndrome 1. Last evaluated: 2026-01-26. Review status: criteria provided, single submitter. Criteria: Invitae Variant Classification Sherloc (09022015). Collection method: clinical testing. Allele origin: germline.

Blueprint Genetics
Classification: Likely benign. Last evaluated: 2024-11-26. Review status: criteria provided, single submitter. Criteria: ACMG Guidelines, 2015. Collection method: clinical testing. Allele origin: germline.

Mayo Clinic Laboratories, Mayo Clinic
Classification: Benign. Last evaluated: 2024-11-06. Review status: criteria provided, single submitter. Criteria: ACMG Guidelines, 2015. Collection method: clinical testing. Allele origin: germline. Observed: 2 variant alleles.
Comment: BS1, BS2, BP4, BP7

Genome-Nilou Lab
Classification: Benign for Baraitser-Winter syndrome 1. Last evaluated: 2021-12-05. Review status: criteria provided, single submitter. Criteria: ACMG Guidelines, 2015. Collection method: clinical testing. Allele origin: germline. Affected: no.

Genome-Nilou Lab
Classification: Benign for Developmental malformations-deafness-dystonia syndrome. Last evaluated: 2021-12-05. Review status: criteria provided, single submitter. Criteria: ACMG Guidelines, 2015. Collection method: clinical testing. Allele origin: germline. Affected: no.

GeneDx
Classification: Benign. Last evaluated: 2017-03-03. Review status: criteria provided, single submitter. Criteria: GeneDx Variant Classification (06012015). Collection method: clinical testing. Allele origin: germline. Affected: yes.
Comment: This variant is considered likely benign or benign based on one or more of the following criteria: it is a conservative change, it occurs at a poorly conserved position in the protein, it is predicted to be benign by multiple in silico algorithms, and/or has population frequency not consistent with disease.

PreventionGenetics, part of Exact Sciences
Classification: Benign for ACTB-related condition. Last evaluated: 2021-01-28. Review status: no assertion criteria provided. Collection method: clinical testing. Allele origin: germline. Not counted in ClinVar's aggregate classification.
Comment: This variant is classified as benign based on ACMG/AMP sequence variant interpretation guidelines (Richards et al. 2015 PMID: 25741868, with internal and published modifications).